The following is an entry in ClinVar:

ClinVar aggregate classification (germline): Uncertain significance. Review status: criteria provided, single submitter (1 of 4 stars). 2 submissions from 2 submitters: Uncertain significance (1). 1 of the submissions does not count toward it. Last evaluated 2019-01-10.

Conditions:
Glycogen storage disease type III (GSD3). Also called: FORBES DISEASE; Cori disease. Identifiers: Orphanet 366, MedGen C0017922, MONDO:0009291, OMIM 232400.

Submissions (2):

Labcorp Genetics (formerly Invitae), Labcorp
Classification: Uncertain significance for Glycogen storage disease type III. Last evaluated: 2019-01-10. Review status: criteria provided, single submitter. Criteria: Invitae Variant Classification Sherloc (09022015). Collection method: clinical testing. Allele origin: germline.
Comment: In summary, the available evidence is currently insufficient to determine the role of this variant in disease. Therefore, it has been classified as a Variant of Uncertain Significance. Algorithms developed to predict the effect of missense changes on protein structure and function are either unavailable or do not agree on the potential impact of this missense change (SIFT: "Deleterious"; PolyPhen-2: "Probably Damaging"; Align-GVGD: "Class C0"). This variant has not been reported in the literature in individuals with AGL-related conditions. This variant is not present in population databases (ExAC no frequency). This sequence change replaces phenylalanine with cysteine at codon 1104 of the AGL protein (p.Phe1104Cys). The phenylalanine residue is moderately conserved and there is a large physicochemical difference between phenylalanine and cysteine.

Natera, Inc.
Classification: Uncertain significance for Glycogen storage disease type III. Last evaluated: 2020-11-10. Review status: no assertion criteria provided. Collection method: clinical testing. Allele origin: germline. Not counted in ClinVar's aggregate classification.

NM_000642.3(AGL):c.3311T>G (p.Phe1104Cys)

Gene: AGL (amylo-alpha-1,6-glucosidase and 4-alpha-glucanotransferase; plus strand). Cytogenetic location: 1p21.2.
Variant type: single nucleotide variant.
Coding change: c.3311T>G on transcript NM_000642.3 (MANE Select); coding-DNA position 3311, T replaced by G.
Protein change: p.Phe1104Cys; replaces phenylalanine 1104 with cysteine.
Molecular consequence: missense variant.
Genome position (GRCh38, 1-based): chr1:99,896,337, T>G. VCF-style: chr1-99896337-T-G. GRCh37 (hg19) VCF-style: chr1-100361893-T-G.
Other names: c.3311T>G, p.Phe1104Cys (NM_000028.3, NM_000643.3, NM_000644.3 and 1 more transcripts); c.3263T>G, p.Phe1088Cys (NM_000646.3); c.3290T>G, p.Phe1097Cys (NM_001425326.1); c.3110T>G, p.Phe1037Cys (NM_001425327.1); c.3107T>G, p.Phe1036Cys (NM_001425328.1); c.2972T>G, p.Phe991Cys (NM_001425329.1); c.2933T>G, p.Phe978Cys (NM_001425332.1); short protein forms F1088C, F1104C, F1036C, F1037C, F1097C, F978C, F991C.
Identifiers: ClinVar variation 844791 (VCV000844791.14), dbSNP rs1653318633, ClinGen allele CA341328621.